The following is an entry in ClinVar:

ClinVar aggregate classification (germline): Uncertain significance (1 of 4 stars; one submission).

Conditions:
Geleophysic dysplasia 2 (GPHYSD2). Identifiers: Orphanet 2623, MedGen C3280054, MONDO:0013612, OMIM 614185.
Ectopia lentis 1, isolated, autosomal dominant (ECTOL1). Identifiers: Orphanet 1885, MedGen C3541518, MONDO:0007514, OMIM 129600.
Stiff skin syndrome (SSKS). Identifiers: Orphanet 2833, MedGen C1861456, MONDO:0008492, OMIM 184900.
Marfan syndrome (MFS). Also called: MARFAN SYNDROME, TYPE I; Marfan syndrome type 1; Marfan's syndrome; Marfan syndrome, classic; FBN1-Related Marfan Syndrome. Identifiers: Orphanet 284963, Orphanet 558, MedGen C0024796, MONDO:0007947, OMIM 154700.
Acromicric dysplasia (ACMICD). Also called: Acromicric skeletal dysplasia. Identifiers: Orphanet 969, MedGen C0265287, MONDO:0007055, OMIM 102370.
Progeroid and marfanoid aspect-lipodystrophy syndrome. Also called: MARFANOID-PROGEROID SYNDROME; MARFAN-PROGEROID-LIPODYSTROPHY SYNDROME; Marfan lipodystrophy syndrome; MARFANOID-PROGEROID-LIPODYSTROPHY SYNDROME. Identifiers: Orphanet 300382, MedGen C4310796, MONDO:0014831, OMIM 616914.
MASS syndrome (OCTD). Also called: MASS PHENOTYPE; OVERLAP CONNECTIVE TISSUE DISEASE. Identifiers: MedGen C1858556, MONDO:0011431, OMIM 604308.
Weill-Marchesani syndrome 2, dominant. Also called: Weill-Marchesani Syndrome, Autosomal Dominant; FBN1-Related Weill-Marchesani Syndrome. Identifiers: Orphanet 2084, MedGen C1869115, MONDO:0012013, OMIM 608328.

Submission:

Juno Genomics, Hangzhou Juno Genomics, Inc
Classification: Uncertain significance for Acromicric dysplasia; Ectopia lentis 1, isolated, autosomal dominant; Geleophysic dysplasia 2; Progeroid and marfanoid aspect-lipodystrophy syndrome; Marfan syndrome; MASS syndrome; Stiff skin syndrome; Weill-Marchesani syndrome 2, dominant. Review status: criteria provided, single submitter. Criteria: ACMG Guidelines, 2015. Collection method: clinical testing. Allele origin: germline. Affected: yes.
Comment: Absent from controls (or at extremely low frequency if recessive) in Genome Aggregation Database, Exome Sequencing Project, 1000 Genomes Project, or Exome Aggregation Consortium.;Null variant in a gene where loss of function (LOF) is a known mechanism of disease.

NM_000138.5(FBN1):c.8284_8287del (p.Ala2762fs)

Gene: FBN1 (fibrillin 1; minus strand). Cytogenetic location: 15q21.1.
Variant type: Deletion.
Coding change: c.8284_8287del on transcript NM_000138.5 (MANE Select); coding-DNA positions 8284 to 8287, 4 bases deleted (GCCA; older notation c.8284_8287delGCCA).
Protein change: p.Ala2762fs; shifts the reading frame from alanine 2762.
Molecular consequence: frameshift variant.
Genome position (GRCh38, 1-based): chr15:48,411,319-48,411,322, TGGC deleted on the plus strand (GCCA on the coding strand, the reverse complement: FBN1 is on the minus strand); deleting any 4 consecutive bases within chr15:48,411,319-48,411,324 gives the same sequence; the c. name uses the placement nearest the transcript's 3' end. VCF-style (leftmost placement, unchanged base first): chr15-48411318-ATGGC-A. GRCh37 (hg19) VCF-style: chr15-48703515-ATGGC-A.
Other names: c.8284_8287del, p.Ala2762fs (NM_001406716.1); short protein forms A2762fs.
Identifiers: ClinVar variation 4533231 (VCV004533231.1).